The following is an entry in ClinVar:

ClinVar aggregate classification (germline): Uncertain significance (1 of 4 stars; one submission).

Conditions:
Rubinstein-Taybi syndrome due to EP300 haploinsufficiency. Also called: EP300-Related Rubinstein-Taybi Syndrome; RUBINSTEIN-TAYBI SYNDROME 2. Identifiers: Orphanet 353284, Orphanet 783, MedGen C3150941, MONDO:0013364, OMIM 613684.

Submission:

Labcorp Genetics (formerly Invitae), Labcorp
Classification: Uncertain significance for Rubinstein-Taybi syndrome due to EP300 haploinsufficiency. Last evaluated: 2025-12-20. Review status: criteria provided, single submitter. Criteria: Invitae Variant Classification Sherloc (09022015). Collection method: clinical testing. Allele origin: germline.
Comment: This sequence change replaces lysine, which is basic and polar, with threonine, which is neutral and polar, at codon 977 of the EP300 protein (p.Lys977Thr). This variant is not present in population databases (gnomAD no frequency). This variant has not been reported in the literature in individuals affected with EP300-related conditions. Invitae Evidence Modeling of protein sequence and biophysical properties (such as structural, functional, and spatial information, amino acid conservation, physicochemical variation, residue mobility, and thermodynamic stability) indicates that this missense variant is not expected to disrupt EP300 protein function with a negative predictive value of 80%. In summary, the available evidence is currently insufficient to determine the role of this variant in disease. Therefore, it has been classified as a Variant of Uncertain Significance.

NM_001429.4(EP300):c.2930A>C (p.Lys977Thr)

Genes: EP300 (EP300 lysine acetyltransferase; plus strand), LOC126863158 (BRD4-independent group 4 enhancer GRCh37_chr22:41547383-41548582; plus strand). Cytogenetic location: 22q13.2.
Variant type: single nucleotide variant.
Coding change: c.2930A>C on transcript NM_001429.4 (MANE Select); coding-DNA position 2930, A replaced by C.
Protein change: p.Lys977Thr; replaces lysine 977 with threonine.
Molecular consequence: missense variant.
Genome position (GRCh38, 1-based): chr22:41,151,945, A>C. VCF-style: chr22-41151945-A-C. GRCh37 (hg19) VCF-style: chr22-41547949-A-C.
Other names: c.2852A>C, p.Lys951Thr (NM_001362843.2); short protein forms K951T, K977T.
Identifiers: ClinVar variation 4797103 (VCV004797103.1).